The following is an entry in ClinVar:

ClinVar aggregate classification (germline): Uncertain significance. Review status: criteria provided, multiple submitters, no conflicts (2 of 4 stars). 6 submissions from 6 submitters: Uncertain significance (6). Last evaluated 2025-12-22.

Conditions:
Arrhythmogenic right ventricular dysplasia 5. Also called: Arrhythmogenic Right Ventricular Dysplasia/Cardiomyopathy 5; ARRHYTHMOGENIC RIGHT VENTRICULAR DYSPLASIA, FAMILIAL, 5. Identifiers: MedGen C1858379, MONDO:0011459, OMIM 604400.
Auditory neuropathy, autosomal dominant 3 (AUNA3). Identifiers: MedGen C5676964, MONDO:0859235, OMIM 619832.
Emery-Dreifuss muscular dystrophy 7, autosomal dominant (EDMD7). Also called: Emery-Dreifuss muscular dystrophy 7, AD. Identifiers: Orphanet 261, MedGen C3553060, MONDO:0013677, OMIM 614302.
Cardiomyopathy (CMYO). Also called: Cardiomyopathies. Identifiers: Orphanet 167848, MedGen C0878544, MONDO:0004994, HP:0001638. Inheritance: Various modes of inheritance.
Cardiovascular phenotype. Identifiers: MedGen CN230736.

Allele frequency attached by ClinVar (database versions not stated): gnomAD 0.00001; TOPMed 0.00001.
gnomAD v4.1: 13 of 1,613,718 alleles (0.00081%); highest among the groups gnomAD compares: Non-Finnish European, 0.0011%; no homozygotes.

Submissions (6):

Labcorp Genetics (formerly Invitae), Labcorp
Classification: Uncertain significance for Arrhythmogenic right ventricular dysplasia 5. Last evaluated: 2025-12-22. Review status: criteria provided, single submitter. Criteria: Invitae Variant Classification Sherloc (09022015). Collection method: clinical testing. Allele origin: germline.
Comment: This sequence change replaces alanine, which is neutral and non-polar, with glycine, which is neutral and non-polar, at codon 61 of the TMEM43 protein (p.Ala61Gly). This variant is not present in population databases (gnomAD no frequency). This variant has not been reported in the literature in individuals affected with TMEM43-related conditions. ClinVar contains an entry for this variant (Variation ID: 927251). Invitae Evidence Modeling of protein sequence and biophysical properties (such as structural, functional, and spatial information, amino acid conservation, physicochemical variation, residue mobility, and thermodynamic stability) indicates that this missense variant is not expected to disrupt TMEM43 protein function with a negative predictive value of 80%. In summary, the available evidence is currently insufficient to determine the role of this variant in disease. Therefore, it has been classified as a Variant of Uncertain Significance.

Color Diagnostics, LLC DBA Color Health
Classification: Uncertain significance for Cardiomyopathy. Last evaluated: 2024-03-07. Review status: criteria provided, single submitter. Criteria: ACMG Guidelines, 2015. Collection method: clinical testing. Allele origin: germline.
Comment: This missense variant replaces alanine with glycine at codon 61 of the TMEM43 protein. Computational prediction suggests that this variant may not impact protein structure and function (internally defined REVEL score threshold <= 0.5, PMID: 27666373). To our knowledge, functional studies have not been reported for this variant. This variant has not been reported in individuals affected with TMEM43-related disorders in the literature. This variant has not been identified in the general population by the Genome Aggregation Database (gnomAD). The available evidence is insufficient to determine the role of this variant in disease conclusively. Therefore, this variant is classified as a Variant of Uncertain Significance.

All of Us Research Program, National Institutes of Health
Classification: Uncertain significance for Arrhythmogenic right ventricular dysplasia 5. Last evaluated: 2023-12-13. Review status: criteria provided, single submitter. Criteria: ACMG Guidelines, 2015. Collection method: clinical testing. Allele origin: germline. Inheritance: Autosomal dominant inheritance. Observed: 4 variant alleles, 4 heterozygotes.
Comment: This missense variant replaces alanine with glycine at codon 61 of the TMEM43 protein. Computational prediction suggests that this variant may not impact protein structure and function (internally defined REVEL score threshold <= 0.5, PMID: 27666373). To our knowledge, functional studies have not been reported for this variant. This variant has not been reported in individuals affected with cardiovascular disorders in the literature. This variant has not been identified in the general population by the Genome Aggregation Database (gnomAD). The available evidence is insufficient to determine the role of this variant in disease conclusively. Therefore, this variant is classified as a Variant of Uncertain Significance.

This study involves interpretation of variants in research participants for the purpose of population health screening. Participant phenotype was not available at the time of variant classification. Additional details can be found in publication PMID: 35346344, PMCID: PMC8962531

Ambry Genetics
Classification: Uncertain significance for Cardiovascular phenotype. Last evaluated: 2022-07-10. Review status: criteria provided, single submitter. Criteria: Ambry Variant Classification Scheme 2023. Collection method: clinical testing. Allele origin: germline.
Comment: The p.A61G variant (also known as c.182C>G), located in coding exon 3 of the TMEM43 gene, results from a C to G substitution at nucleotide position 182. The alanine at codon 61 is replaced by glycine, an amino acid with similar properties. This amino acid position is conserved. In addition, the in silico prediction for this alteration is inconclusive. Since supporting evidence is limited at this time, the clinical significance of this alteration remains unclear.

Fulgent Genetics
Classification: Uncertain significance for Arrhythmogenic right ventricular dysplasia 5; Emery-Dreifuss muscular dystrophy 7, autosomal dominant; Auditory neuropathy, autosomal dominant 3. Last evaluated: 2021-10-15. Review status: criteria provided, single submitter. Criteria: ACMG Guidelines, 2015. Collection method: clinical testing. Allele origin: unknown.

GeneDx
Classification: Uncertain significance. Last evaluated: 2020-10-09. Review status: criteria provided, single submitter. Criteria: GeneDx Variant Classification Process June 2021. Collection method: clinical testing. Allele origin: germline. Affected: yes.
Comment: Has not been previously published as pathogenic or benign to our knowledge; Not observed in large population cohorts (Lek et al., 2016); In silico analysis supports that this missense variant has a deleterious effect on protein structure/function; Reported in ClinVar as a variant of uncertain significance (ClinVar Variant ID# 927251; Landrum et al., 2016)

NM_024334.3(TMEM43):c.182C>G (p.Ala61Gly)

Gene: TMEM43 (transmembrane protein 43; plus strand). Cytogenetic location: 3p25.1.
Variant type: single nucleotide variant.
Coding change: c.182C>G on transcript NM_024334.3 (MANE Select); coding-DNA position 182, C replaced by G.
Protein change: p.Ala61Gly; replaces alanine 61 with glycine.
Molecular consequence: missense variant.
Genome position (GRCh38, 1-based): chr3:14,130,841, C>G. VCF-style: chr3-14130841-C-G. GRCh37 (hg19) VCF-style: chr3-14172341-C-G.
Other names: short protein forms A61G.
Identifiers: ClinVar variation 927251 (VCV000927251.18), dbSNP rs1225730180, ClinGen allele CA351534520.